The following is an entry in ClinVar:

ClinVar aggregate classification (germline): Uncertain significance (1 of 4 stars; one submission).

Conditions:
Hereditary cancer-predisposing syndrome. Also called: Hereditary neoplastic syndrome; Tumor predisposition; Hereditary Cancer Syndrome; Neoplastic Syndromes, Hereditary. Identifiers: Orphanet 140162, MedGen C0027672, MeSH D009386, MONDO:0015356.

gnomAD v4.1: 2 of 1,595,292 alleles (0.00013%); highest among the groups gnomAD compares: Non-Finnish European, 0.00017%; no homozygotes.

Submission:

Ambry Genetics
Classification: Uncertain significance for Hereditary cancer-predisposing syndrome. Last evaluated: 2023-08-31. Review status: criteria provided, single submitter. Criteria: Ambry Variant Classification Scheme 2023. Collection method: clinical testing. Allele origin: germline.
Comment: The p.A82P variant (also known as c.244G>C), located in coding exon 1 of the ALK gene, results from a G to C substitution at nucleotide position 244. The alanine at codon 82 is replaced by proline, an amino acid with highly similar properties. This amino acid position is conserved. In addition, this alteration is predicted to be tolerated by in silico analysis. Since supporting evidence is limited at this time, the clinical significance of this alteration remains unclear.

NM_004304.5(ALK):c.244G>C (p.Ala82Pro)

Gene: ALK (ALK receptor tyrosine kinase; minus strand). Cytogenetic location: 2p23.1.
Variant type: single nucleotide variant.
Coding change: c.244G>C on transcript NM_004304.5 (MANE Select); coding-DNA position 244, G replaced by C.
Protein change: p.Ala82Pro; replaces alanine 82 with proline.
Molecular consequence: missense variant.
Genome position (GRCh38, 1-based): chr2:29,920,416, C>G on the plus strand (G>C on the coding strand, the complement: ALK is on the minus strand). VCF-style: chr2-29920416-C-G. GRCh37 (hg19) VCF-style: chr2-30143282-C-G.
Other names: short protein forms A82P.
Identifiers: ClinVar variation 2586706 (VCV002586706.2), dbSNP rs1322397265, ClinGen allele CA346590412.
Genomic context (GRCh38, chr2:29,920,416, plus strand): 5'-GCAACCTGAGCAGCGGGGCGCAGTCCAGAGCTAGCGAGCCGCGGGCCTCGGGCCTGCCAG[C>G]CTTCAGCTCCGAGGAGGATGGTGGCAGCAGTAGGTCCCGGGCGTAGACACGGAAGAGCGA-3'
Protein context (NP_004295.2, residues 72-92): LLPPSSSELK[Ala82Pro]GRPEARGSLA